The following is an entry in ClinVar:

NM_002582.4(PARN):c.997C>A (p.Pro333Thr)

Gene: PARN (poly(A)-specific ribonuclease; minus strand). Cytogenetic location: 16p13.12.
Variant type: single nucleotide variant.
Coding change: c.997C>A on transcript NM_002582.4 (MANE Select); coding-DNA position 997, C replaced by A.
Protein change: p.Pro333Thr; replaces proline 333 with threonine.
Molecular consequence: missense variant.
Genome position (GRCh38, 1-based): chr16:14,584,757, G>T on the plus strand (C>A on the coding strand, the complement: PARN is on the minus strand). VCF-style: chr16-14584757-G-T. GRCh37 (hg19) VCF-style: chr16-14678614-G-T.
Other names: c.814C>A, p.Pro272Thr (NM_001134477.3); c.859C>A, p.Pro287Thr (NM_001242992.2); short protein forms P272T, P287T, P333T.
Identifiers: ClinVar variation 3758699 (VCV003758699.2).

ClinVar aggregate classification (germline): Uncertain significance (1 of 4 stars; one submission).

Conditions:
Dyskeratosis congenita, autosomal recessive 6 (DKCB6). Identifiers: MedGen C4225356, MONDO:0014600, OMIM 616353.
Pulmonary fibrosis and/or bone marrow failure, Telomere-related, 4. Also called: PULMONARY FIBROSIS AND/OR BONE MARROW FAILURE SYNDROME, TELOMERE-RELATED, 4. Identifiers: Orphanet 2032, MedGen C4225347, MONDO:0014612, OMIM 616371.

gnomAD v4.1: 1 of 1,571,706 alleles (0.000064%); highest among the groups gnomAD compares: Non-Finnish European, 0.000086%; no homozygotes.

Submission:

Labcorp Genetics (formerly Invitae), Labcorp
Classification: Uncertain significance for Dyskeratosis congenita, autosomal recessive 6; Pulmonary fibrosis and/or bone marrow failure, Telomere-related, 4. Last evaluated: 2024-10-02. Review status: criteria provided, single submitter. Criteria: Invitae Variant Classification Sherloc (09022015). Collection method: clinical testing. Allele origin: germline.
Comment: This sequence change replaces proline, which is neutral and non-polar, with threonine, which is neutral and polar, at codon 333 of the PARN protein (p.Pro333Thr). This variant is not present in population databases (gnomAD no frequency). This variant has not been reported in the literature in individuals affected with PARN-related conditions. Invitae Evidence Modeling of protein sequence and biophysical properties (such as structural, functional, and spatial information, amino acid conservation, physicochemical variation, residue mobility, and thermodynamic stability) indicates that this missense variant is not expected to disrupt PARN protein function with a negative predictive value of 80%. Algorithms developed to predict the effect of sequence changes on RNA splicing suggest that this variant may disrupt the consensus splice site. In summary, the available evidence is currently insufficient to determine the role of this variant in disease. Therefore, it has been classified as a Variant of Uncertain Significance.